The following is an entry in ClinVar:

ClinVar aggregate classification (germline): Uncertain significance. Review status: criteria provided, multiple submitters, no conflicts (2 of 4 stars). 2 submissions from 2 submitters: Uncertain significance (2). Last evaluated 2025-05-15.

Conditions:
Long QT syndrome (LQTS). Identifiers: MedGen C0023976, MeSH D008133, MONDO:0002442. Disease mechanism: loss of function. Inheritance: Various modes of inheritance.

Allele frequency attached by ClinVar (database versions not stated): TOPMed below 0.00001; gnomAD 0.00001; gnomAD exomes 0.00001; ExAC 0.00002.

Submissions (2):

Labcorp Genetics (formerly Invitae), Labcorp
Classification: Uncertain significance for Long QT syndrome. Last evaluated: 2025-05-15. Review status: criteria provided, single submitter. Criteria: Invitae Variant Classification Sherloc (09022015). Collection method: clinical testing. Allele origin: germline.
Comment: This sequence change replaces glutamic acid, which is acidic and polar, with lysine, which is basic and polar, at codon 118 of the KCNH2 protein (p.Glu118Lys). This variant is present in population databases (rs746600107, gnomAD 0.003%). This variant has not been reported in the literature in individuals affected with KCNH2-related conditions. ClinVar contains an entry for this variant (Variation ID: 1991588). An algorithm developed to predict the effect of missense changes on protein structure and function (PolyPhen-2) suggests that this variant is likely to be tolerated. In summary, the available evidence is currently insufficient to determine the role of this variant in disease. Therefore, it has been classified as a Variant of Uncertain Significance.

All of Us Research Program, National Institutes of Health
Classification: Uncertain significance for Long QT syndrome. Last evaluated: 2024-01-11. Review status: criteria provided, single submitter. Criteria: ACMG Guidelines, 2015. Collection method: clinical testing. Allele origin: germline. Inheritance: Autosomal dominant inheritance. Observed: 1 variant allele, 1 heterozygote.
Comment: This study involves interpretation of variants in research participants for the purpose of population health screening. Participant phenotype was not available at the time of variant classification. Additional details can be found in publication PMID: 35346344, PMCID: PMC8962531

NM_000238.4(KCNH2):c.352G>A (p.Glu118Lys)

Gene: KCNH2 (potassium voltage-gated channel subfamily H member 2; minus strand). Cytogenetic location: 7q36.1.
Variant type: single nucleotide variant.
Coding change: c.352G>A on transcript NM_000238.4 (MANE Select); coding-DNA position 352, G replaced by A.
Protein change: p.Glu118Lys; replaces glutamic acid 118 with lysine.
Molecular consequence: missense variant.
Genome position (GRCh38, 1-based): chr7:150,959,692, C>T on the plus strand (G>A on the coding strand, the complement: KCNH2 is on the minus strand). VCF-style: chr7-150959692-C-T. GRCh37 (hg19) VCF-style: chr7-150656780-C-T.
Other names: c.64G>A, p.Glu22Lys (NM_001406753.1, NM_001406756.1); c.175G>A, p.Glu59Lys (NM_001406755.1); c.52G>A, p.Glu18Lys (NM_001406757.1); c.352G>A, p.Glu118Lys (NM_172056.3); short protein forms E118K, E18K, E22K, E59K.
Identifiers: ClinVar variation 1991588 (VCV001991588.5), dbSNP rs746600107, ClinGen allele CA039170.